The following is an entry in ClinVar:

NM_001009944.3(PKD1):c.416G>A (p.Trp139Ter)

Gene: PKD1 (polycystin 1, transient receptor potential channel interacting; minus strand). Cytogenetic location: 16p13.3.
Variant type: single nucleotide variant.
Coding change: c.416G>A on transcript NM_001009944.3 (MANE Select); coding-DNA position 416, G replaced by A.
Protein change: p.Trp139Ter; replaces tryptophan 139 with a stop codon.
Molecular consequence: nonsense.
Genome position (GRCh38, 1-based): chr16:2,118,789, C>T on the plus strand (G>A on the coding strand, the complement: PKD1 is on the minus strand). VCF-style: chr16-2118789-C-T. GRCh37 (hg19) VCF-style: chr16-2168790-C-T.
Other names: p.Trp139*; c.416G>A, p.Trp139Ter (NM_000296.4); short protein forms W139*.
Identifiers: ClinVar variation 2683677 (VCV002683677.6), dbSNP rs2544883158, ClinGen allele CA394395563.

ClinVar aggregate classification (germline): Pathogenic/Likely pathogenic. Review status: criteria provided, multiple submitters, no conflicts (2 of 4 stars). 4 submissions from 4 submitters: Pathogenic (2); Likely pathogenic (2). Last evaluated 2024-04-15.

Conditions:
Polycystic kidney disease, adult type (PKD1). Also called: Polycystic Kidney, Autosomal Dominant; Polycystic Kidney Disease 1, Autosomal Dominant; Polycystic kidney disease 1; Polycystic kidney disease 1, severe; POLYCYSTIC KIDNEY DISEASE, ADULT, TYPE I; POLYCYSTIC KIDNEY DISEASE 1 WITH OR WITHOUT POLYCYSTIC LIVER DISEASE. Identifiers: MedGen C3149841, MONDO:0008263, OMIM 173900.

Submissions (4):

Fulgent Genetics
Classification: Pathogenic for Polycystic kidney disease, adult type. Last evaluated: 2024-04-15. Review status: criteria provided, single submitter. Criteria: ACMG Guidelines, 2015. Collection method: clinical testing. Allele origin: germline.

Genetic Services Laboratory, University of Chicago
Classification: Likely pathogenic. Last evaluated: 2023-06-01. Review status: criteria provided, single submitter. Criteria: ACMG Guidelines, 2015. Collection method: clinical testing. Allele origin: germline. Affected: yes.
Comment: DNA sequence analysis of the PKD1 gene demonstrated a sequence change, c.416G>A, which results in the creation of a premature stop codon at amino acid position 139, p.Trp139*. This sequence change is predicted to result in an abnormal transcript, which may be degraded, or may lead to the production of a truncated PKD1 protein with potentially abnormal function. This sequence change has not been described in population databases such as ExAC and gnomAD. While this sequence change has not previously been described in the literature, other downstream truncating variants in this gene have been described in several individuals with polycystic kidney disease. Based on these collective evidences, this sequence change is classified as likely pathogenic, however functional studies have not been performed to prove this conclusively.

Mayo Clinic Laboratories, Mayo Clinic
Classification: Likely pathogenic. Last evaluated: 2022-10-04. Review status: criteria provided, single submitter. Criteria: ACMG Guidelines, 2015. Collection method: clinical testing. Allele origin: germline. Observed: 2 variant alleles.
Comment: PM2_supporting, PVS1

Juno Genomics, Hangzhou Juno Genomics, Inc
Classification: Pathogenic for Polycystic kidney disease, adult type. Review status: criteria provided, single submitter. Criteria: ACMG Guidelines, 2015. Collection method: clinical testing. Allele origin: germline. Affected: yes.
Comment: Absent from controls (or at extremely low frequency if recessive) in Genome Aggregation Database, Exome Sequencing Project, 1000 Genomes Project, or Exome Aggregation Consortium.;Null variant in a gene where loss of function (LOF) is a known mechanism of disease.;Patient's phenotype or family history is highly specific for a disease with a single genetic etiology.